The following is an entry in ClinVar:

NM_006231.4(POLE):c.5984A>G (p.Tyr1995Cys)

Gene: POLE (DNA polymerase epsilon, catalytic subunit; minus strand). Cytogenetic location: 12q24.33.
Variant type: single nucleotide variant.
Coding change: c.5984A>G on transcript NM_006231.4 (MANE Select); coding-DNA position 5984, A replaced by G.
Protein change: p.Tyr1995Cys; replaces tyrosine 1995 with cysteine.
Molecular consequence: missense variant.
Genome position (GRCh38, 1-based): chr12:132,634,206, T>C on the plus strand (A>G on the coding strand, the complement: POLE is on the minus strand). VCF-style: chr12-132634206-T-C. GRCh37 (hg19) VCF-style: chr12-133210792-T-C.
Other names: c.5984A>G (NM_006231.2); short protein forms Y1995C.
Identifiers: ClinVar variation 2180524 (VCV002180524.4), dbSNP rs2041989225, ClinGen allele CA387371443.

ClinVar aggregate classification (germline): Uncertain significance. Review status: criteria provided, multiple submitters, no conflicts (2 of 4 stars). 2 submissions from 2 submitters: Uncertain significance (2). Last evaluated 2025-01-27.

Conditions:
Hereditary cancer-predisposing syndrome. Also called: Hereditary Cancer Syndrome; Neoplastic Syndromes, Hereditary; Tumor predisposition; Hereditary neoplastic syndrome. Identifiers: Orphanet 140162, MedGen C0027672, MeSH D009386, MONDO:0015356.

Allele frequency attached by ClinVar (database versions not stated): gnomAD exomes below 0.00001; gnomAD 0.00001.
gnomAD v4.1: 3 of 1,612,958 alleles (0.00019%); highest among the groups gnomAD compares: African/African-American, 0.0013%; no homozygotes.

Submissions (2):

Ambry Genetics
Classification: Uncertain significance for Hereditary cancer-predisposing syndrome. Last evaluated: 2025-01-27. Review status: criteria provided, single submitter. Criteria: Ambry Variant Classification Scheme 2023. Collection method: clinical testing. Allele origin: germline.
Comment: The p.Y1995C variant (also known as c.5984A>G), located in coding exon 43 of the POLE gene, results from an A to G substitution at nucleotide position 5984. The tyrosine at codon 1995 is replaced by cysteine, an amino acid with highly dissimilar properties. This amino acid position is highly conserved in available vertebrate species. In addition, this alteration is predicted to be deleterious by in silico analysis. Based on the available evidence, the clinical significance of this variant remains unclear.

Labcorp Genetics (formerly Invitae), Labcorp
Classification: Uncertain significance. Last evaluated: 2024-12-18. Review status: criteria provided, single submitter. Criteria: Invitae Variant Classification Sherloc (09022015). Collection method: clinical testing. Allele origin: germline.
Comment: This sequence change replaces tyrosine, which is neutral and polar, with cysteine, which is neutral and slightly polar, at codon 1995 of the POLE protein (p.Tyr1995Cys). This variant is not present in population databases (gnomAD no frequency). This variant has not been reported in the literature in individuals affected with POLE-related conditions. ClinVar contains an entry for this variant (Variation ID: 2180524). Invitae Evidence Modeling of protein sequence and biophysical properties (such as structural, functional, and spatial information, amino acid conservation, physicochemical variation, residue mobility, and thermodynamic stability) indicates that this missense variant is not expected to disrupt POLE protein function with a negative predictive value of 80%. In summary, the available evidence is currently insufficient to determine the role of this variant in disease. Therefore, it has been classified as a Variant of Uncertain Significance.